The following is an entry in ClinVar:

NM_001614.5(ACTG1):c.617G>A (p.Arg206Gln)

Gene: ACTG1 (actin gamma 1; minus strand). Cytogenetic location: 17q25.3.
Variant type: single nucleotide variant.
Coding change: c.617G>A on transcript NM_001614.5 (MANE Select); coding-DNA position 617, G replaced by A.
Protein change: p.Arg206Gln; replaces arginine 206 with glutamine.
Molecular consequence: missense variant. On other transcripts: non-coding transcript variant (1).
Genome position (GRCh38, 1-based): chr17:81,511,373, C>T on the plus strand (G>A on the coding strand, the complement: ACTG1 is on the minus strand). VCF-style: chr17-81511373-C-T. GRCh37 (hg19) VCF-style: chr17-79478399-C-T.
Other names: c.617G>A, p.Arg206Gln (NM_001199954.3); short protein forms R206Q.
Identifiers: ClinVar variation 517300 (VCV000517300.13), dbSNP rs1555666715, ClinGen allele CA401460425.

ClinVar aggregate classification (germline): Pathogenic/Likely pathogenic. Review status: criteria provided, multiple submitters, no conflicts (2 of 4 stars). 4 submissions from 4 submitters: Pathogenic (1); Likely pathogenic (2). 1 of the submissions does not count toward it. Last evaluated 2026-03-17.

Conditions:
Baraitser-winter syndrome 2. Identifiers: Orphanet 2995, MedGen C3281235, MONDO:0013812, OMIM 614583.
Autosomal dominant nonsyndromic hearing loss 20. Identifiers: Orphanet 90635, MedGen C1858172, MONDO:0011480, OMIM 604717.
Fetal anomalies with a likely genetic cause.
Rare genetic deafness. Identifiers: Orphanet 96210, MedGen C5680250.

Allele frequency attached by ClinVar (database versions not stated): gnomAD exomes below 0.00001.

Submissions (4):

Genetics Laboratory, Great Ormond Street Hospital NHS Foundation Trust, North Thames Genomic Laboratory Hub
Classification: Likely pathogenic for Fetal anomalies with a likely genetic cause. Last evaluated: 2026-03-17. Review status: criteria provided, single submitter. Criteria: ACGS Best Practice Guidelines for Variant Classification in Rare Disease 2024 v1.2. Collection method: clinical testing. Allele origin: germline. Affected: yes.
Comment: PS4_supporting, PM2_moderate, PP3_supporting, PM5_supporting, PS2_supporting

Labcorp Genetics (formerly Invitae), Labcorp
Classification: Pathogenic for Baraitser-winter syndrome 2; Autosomal dominant nonsyndromic hearing loss 20. Last evaluated: 2025-05-16. Review status: criteria provided, single submitter. Criteria: Invitae Variant Classification Sherloc (09022015). Collection method: clinical testing. Allele origin: germline.
Comment: This sequence change replaces arginine, which is basic and polar, with glutamine, which is neutral and polar, at codon 206 of the ACTG1 protein (p.Arg206Gln). This variant is present in population databases (no rsID available, gnomAD 0.0009%). This missense change has been observed in individual(s) with Baraitser-Winter syndrome and/or deafness (PMID: 36810952; internal data). In at least one individual the variant was observed to be de novo. ClinVar contains an entry for this variant (Variation ID: 517300). Invitae Evidence Modeling of protein sequence and biophysical properties (such as structural, functional, and spatial information, amino acid conservation, physicochemical variation, residue mobility, and thermodynamic stability) indicates that this missense variant is not expected to disrupt ACTG1 protein function with a negative predictive value of 80%. For these reasons, this variant has been classified as Pathogenic.

Laboratory for Molecular Medicine, Mass General Brigham Personalized Medicine
Classification: Likely pathogenic for Rare genetic deafness. Last evaluated: 2017-08-10. Review status: criteria provided, single submitter. Criteria: LMM Criteria. Collection method: clinical testing. Allele origin: germline. Inheritance: Autosomal dominant inheritance. Observed: 1 variant allele.
Comment: This variant has been identified in 1/111 396 European chromosomes by the Genome Aggregation Database (gnomAD). Please note that for diseases with clinical variability , reduced penetrance, or recessive inheritance, pathogenic variants may be prese nt at a low frequency in the general population. Computational prediction tools and conservation analysis suggest that the p.Arg206Gln variant may impact the pr otein, though this information is not predictive enough to determine pathogenici ty. Missense variants in the ACTG1 gene have been associated with two condition s: 1) Autosomal dominant progressive hearing loss and vestibular dysfunction (de Heer 2009); 2) Baraitser-Winter syndrome. In summary, though additional studies are required to fully establish its clinical significance, the p.Arg206Gln vari ant is likely pathogenic.

Sangiuolo Lab - Medical Genetics Laboratory, Tor Vergata University
Classification: Likely pathogenic for Baraitser-winter syndrome 2. Last evaluated: 2022-09-29. Review status: no assertion criteria provided. Collection method: clinical testing. Allele origin: de novo. Inheritance: Autosomal dominant inheritance. Affected: yes. Not counted in ClinVar's aggregate classification.

Literature cited by the submitters: PubMed 36810952 (cited by Labcorp Genetics (formerly Invitae), Labcorp); PubMed 19548389 (cited by Laboratory for Molecular Medicine, Mass General Brigham Personalized Medicine).